The following is an entry in ClinVar:

NM_053025.4(MYLK):c.4195G>A (p.Glu1399Lys)

Gene: MYLK (myosin light chain kinase; minus strand). Cytogenetic location: 3q21.1.
Variant type: single nucleotide variant.
Coding change: c.4195G>A on transcript NM_053025.4 (MANE Select); coding-DNA position 4195, G replaced by A.
Protein change: p.Glu1399Lys; replaces glutamic acid 1399 with lysine.
Molecular consequence: missense variant.
Genome position (GRCh38, 1-based): chr3:123,657,219, C>T on the plus strand (G>A on the coding strand, the complement: MYLK is on the minus strand). VCF-style: chr3-123657219-C-T. GRCh37 (hg19) VCF-style: chr3-123376066-C-T.
Other names: c.3667G>A, p.Glu1223Lys (NM_001321309.2); c.3988G>A, p.Glu1330Lys (NM_053026.4, NM_053028.4); c.4195G>A, p.Glu1399Lys (NM_053027.4); short protein forms E1399K, E1223K, E1330K.
Identifiers: ClinVar variation 262282 (VCV000262282.27), dbSNP rs181663420, ClinGen allele CA071049.

ClinVar aggregate classification (germline): Conflicting classifications of pathogenicity. Review status: criteria provided, conflicting classifications (1 of 4 stars). 9 submissions from 9 submitters: Uncertain significance (1); Likely benign (8). Last evaluated 2026-01-17.

Conditions:
Aortic aneurysm, familial thoracic 7 (AAT7). Also called: AORTIC DISSECTION, FAMILIAL, WITH OR WITHOUT AORTIC ANEURYSM. Identifiers: MedGen C3151077, MONDO:0013418, OMIM 613780.
Familial thoracic aortic aneurysm and aortic dissection (TAAD). Also called: Thoracic aortic aneurysms and dissections. Identifiers: Orphanet 91387, MedGen C4707243, MONDO:0019625.

Allele frequency attached by ClinVar (database versions not stated): ESP Exome Variant Server 0.00015; gnomAD exomes 0.00021 and 0.00052; gnomAD 0.00040 and 0.00042; ExAC 0.00044; TOPMed 0.00073; 1000 Genomes Project 30x 0.00078; 1000 Genomes Project 0.00080.
gnomAD v4.1: 373 of 1,614,144 alleles (0.023%); highest among the groups gnomAD compares: Admixed American, 0.24%; no homozygotes.

Submissions (9):

Labcorp Genetics (formerly Invitae), Labcorp
Classification: Likely benign for Aortic aneurysm, familial thoracic 7. Last evaluated: 2026-01-17. Review status: criteria provided, single submitter. Criteria: Invitae Variant Classification Sherloc (09022015). Collection method: clinical testing. Allele origin: germline.

Molecular Diagnostic Laboratory for Inherited Cardiovascular Disease, Montreal Heart Institute
Classification: Likely benign. Last evaluated: 2025-04-09. Review status: criteria provided, single submitter. Criteria: ACMG Guidelines, 2015. Collection method: clinical testing. Allele origin: germline. Affected: no.
Comment: BS1;BP4

Blueprint Genetics
Classification: Likely benign. Last evaluated: 2024-11-26. Review status: criteria provided, single submitter. Criteria: ACMG Guidelines, 2015. Collection method: clinical testing. Allele origin: germline.

ARUP Laboratories, Molecular Genetics and Genomics, ARUP Laboratories
Classification: Likely benign. Last evaluated: 2024-08-26. Review status: criteria provided, single submitter. Criteria: ARUP Molecular Germline Variant Investigation Process 2024. Collection method: clinical testing. Allele origin: germline.

Women's Health and Genetics/Laboratory Corporation of America, LabCorp
Classification: Likely benign. Last evaluated: 2024-07-14. Review status: criteria provided, single submitter. Criteria: LabCorp Variant Classification Summary - May 2015. Collection method: clinical testing. Allele origin: germline.

GeneDx
Classification: Likely benign. Last evaluated: 2021-08-18. Review status: criteria provided, single submitter. Criteria: GeneDx Variant Classification Process June 2021. Collection method: clinical testing. Allele origin: germline. Affected: yes.
Comment: This variant is associated with the following publications: (PMID: 21055718, 26764160, 27647783, 21231930)

Illumina Laboratory Services, Illumina
Classification: Uncertain significance for Aortic aneurysm, familial thoracic 7. Last evaluated: 2018-01-13. Review status: criteria provided, single submitter. Criteria: ICSL Variant Classification Criteria 13 December 2019. Collection method: clinical testing. Allele origin: germline.

Ambry Genetics
Classification: Likely benign for Familial thoracic aortic aneurysm and aortic dissection. Last evaluated: 2017-04-04. Review status: criteria provided, single submitter. Criteria: Ambry Variant Classification Scheme 2023. Collection method: clinical testing. Allele origin: germline.

PreventionGenetics, part of Exact Sciences
Classification: Likely benign. Review status: criteria provided, single submitter. Criteria: ACMG Guidelines, 2015. Collection method: clinical testing. Allele origin: germline.